The following is an entry in ClinVar:

NM_024120.5(NDUFAF5):c.897T>C (p.Ala299=)

Gene: NDUFAF5 (NADH:ubiquinone oxidoreductase complex assembly factor 5; plus strand). Cytogenetic location: 20p12.1.
Variant type: single nucleotide variant.
Coding change: c.897T>C on transcript NM_024120.5 (MANE Select); coding-DNA position 897, T replaced by C.
Protein change: p.Ala299=; no amino-acid change (alanine 299 retained).
Molecular consequence: synonymous variant. On other transcripts: non-coding transcript variant (7).
Genome position (GRCh38, 1-based): chr20:13,816,909, T>C. VCF-style: chr20-13816909-T-C. GRCh37 (hg19) VCF-style: chr20-13797555-T-C.
Other names: c.813T>C, p.Ala271= (NM_001039375.3); c.426T>C, p.Ala142= (NM_001352403.2); c.336T>C, p.Ala112= (NM_001352406.2, NM_001352407.2); c.897T>C (NM_024120.4).
Identifiers: ClinVar variation 1568576 (VCV001568576.11), dbSNP rs146336040, ClinGen allele CA9767928.

ClinVar aggregate classification (germline): Likely benign. Review status: criteria provided, single submitter (1 of 4 stars). 2 submissions from 2 submitters: Likely benign (1). 1 of the submissions does not count toward it. Last evaluated 2023-12-30.

Conditions:
NDUFAF5-related disorder. Also called: NDUFAF5-related condition.

Allele frequency attached by ClinVar (database versions not stated): gnomAD exomes 0.00001 and 0.00002; ExAC 0.00003; gnomAD 0.00007 and 0.00009; ESP Exome Variant Server 0.00038.
gnomAD v4.1: 20 of 1,610,130 alleles (0.0012%); highest among the groups gnomAD compares: African/African-American, 0.024%; 1 homozygote.

Submissions (2):

Labcorp Genetics (formerly Invitae), Labcorp
Classification: Likely benign. Last evaluated: 2023-12-30. Review status: criteria provided, single submitter. Criteria: Invitae Variant Classification Sherloc (09022015). Collection method: clinical testing. Allele origin: germline.

PreventionGenetics, part of Exact Sciences
Classification: Likely benign for NDUFAF5-related condition. Last evaluated: 2022-10-08. Review status: no assertion criteria provided. Collection method: clinical testing. Allele origin: germline. Not counted in ClinVar's aggregate classification.
Comment: This variant is classified as likely benign based on ACMG/AMP sequence variant interpretation guidelines (Richards et al. 2015 PMID: 25741868, with internal and published modifications).